The following is an entry in ClinVar:

NM_001164508.2(NEB):c.2943+1G>A

Gene: NEB (nebulin; minus strand). Cytogenetic location: 2q23.3.
Variant type: single nucleotide variant.
Coding change: c.2943+1G>A on transcript NM_001164508.2 (MANE Select); the canonical splice donor site of the intron after coding-DNA position 2943, G replaced by A.
Molecular consequence: splice donor variant.
Genome position (GRCh38, 1-based): chr2:151,682,661, C>T on the plus strand (G>A on the coding strand, the complement: NEB is on the minus strand). VCF-style: chr2-151682661-C-T. GRCh37 (hg19) VCF-style: chr2-152539175-C-T.
Other names: c.2943+1G>A (NM_004543.5, NM_001164507.2, NM_001271208.2).
Identifiers: ClinVar variation 551899 (VCV000551899.14), dbSNP rs113091511, ClinGen allele CA1911078.
Genomic context (GRCh38, chr2:151,682,661, plus strand): 5'-TTTTGAGAGCTTTAACACAACACAGTCACCACTCTCCCTCTGACACACCCAGTGGCTTTA[C>T]CTCATTGAGGATGTCTGAAGCTCGCTTTGCCTTTTCCATTTCTAAGGACCCAAAAGGCAC-3'

ClinVar aggregate classification (germline): Pathogenic/Likely pathogenic. Review status: criteria provided, multiple submitters, no conflicts (2 of 4 stars). 5 submissions from 5 submitters: Pathogenic (3); Likely pathogenic (1). 1 of the submissions does not count toward it. Last evaluated 2025-08-04.

Conditions:
Arthrogryposis multiplex congenita 6. Identifiers: MedGen C5543431, MONDO:0030281, OMIM 619334.
Nemaline myopathy 2 (NEM2). Also called: Nemaline myopathy 2, autosomal recessive. Identifiers: MedGen C1850569, MONDO:0009725, OMIM 256030.
Nemaline myopathy. Also called: Myopathies, Nemaline. Identifiers: Orphanet 607, MedGen C0206157, MONDO:0018958.

Allele frequency attached by ClinVar (database versions not stated): ExAC below 0.00001; gnomAD exomes below 0.00001 and 0.00001; gnomAD 0.00001; TOPMed 0.00001.
gnomAD v4.1: 22 of 1,609,186 alleles (0.0014%); highest among the groups gnomAD compares: African/African-American, 0.0027%; no homozygotes.

Submissions (5):

Labcorp Genetics (formerly Invitae), Labcorp
Classification: Pathogenic for Nemaline myopathy 2. Last evaluated: 2025-08-04. Review status: criteria provided, single submitter. Criteria: Invitae Variant Classification Sherloc (09022015). Collection method: clinical testing. Allele origin: germline.
Comment: This sequence change affects a donor splice site in intron 29 of the NEB gene. It is expected to disrupt RNA splicing. Variants that disrupt the donor or acceptor splice site typically lead to a loss of protein function (PMID: 16199547), and loss-of-function variants in NEB are known to be pathogenic (PMID: 25205138). The frequency data for this variant in the population databases is considered unreliable, as metrics indicate poor data quality at this position in the gnomAD database. Disruption of this splice site has been observed in individuals with nemaline myopathy (PMID: 25205138). ClinVar contains an entry for this variant (Variation ID: 551899). Algorithms developed to predict the effect of sequence changes on RNA splicing suggest that this variant may disrupt the consensus splice site. For these reasons, this variant has been classified as Pathogenic.

Natera, Inc.
Classification: Likely pathogenic for Nemaline myopathy type 2. Last evaluated: 2025-04-23. Review status: criteria provided, single submitter. Criteria: Natera Variant Classification Schema (03/2026). Collection method: clinical testing. Allele origin: germline.
Comment: The c.2943+1G>A variant in NEB is a canonical splice donor site variant predicted to affect pre-mRNA splicing, which may result in an abnormal transcript and altered protein product. This variant may result in a truncated or dysfunctional protein product. This variant is rare in the general population with a frequency below the threshold expected for the associated phenotype(s). This variant has been observed in one or more individuals affected with the associated recessive disease, as either homozygous or compound heterozygous with a second variant (PMID: 38544359, 25205138). Given the available evidence, this variant is classified as Likely Pathogenic.

Baylor Genetics
Classification: Pathogenic for Arthrogryposis multiplex congenita 6. Last evaluated: 2023-12-13. Review status: criteria provided, single submitter. Criteria: ACMG Guidelines, 2015. Collection method: clinical testing. Allele origin: unknown.

Women's Health and Genetics/Laboratory Corporation of America, LabCorp
Classification: Pathogenic for Nemaline myopathy. Last evaluated: 2020-08-10. Review status: criteria provided, single submitter. Criteria: LabCorp Variant Classification Summary - May 2015. Collection method: clinical testing. Allele origin: germline.
Comment: Variant summary: NEB c.2943+1G>A is located in a canonical splice-site and is predicted to affect mRNA splicing resulting in a significantly altered protein due to either exon skipping, shortening, or inclusion of intronic material. Several computational tools predict a significant impact on normal splicing: Four predict the variant abolishes a 5' splicing donor site. However, these predictions have yet to be confirmed by functional studies. The variant allele was found at a frequency of 4.1e-06 in 246536 control chromosomes. c.2943+1G>A has been reported in the literature in individuals affected with Nemaline Myopathy (example, Lehtokari_2014). To our knowledge, no experimental evidence demonstrating an impact on protein function has been reported. Two clinical diagnostic laboratories have submitted clinical-significance assessments for this variant to ClinVar after 2014 without evidence for independent evaluation. All laboratories classified the variant as pathogenic. Based on the evidence outlined above, the variant was classified as pathogenic.

Counsyl
Classification: Pathogenic for Nemaline myopathy 2. Last evaluated: 2017-05-19. Review status: no assertion criteria provided. Collection method: clinical testing. Allele origin: unknown. Not counted in ClinVar's aggregate classification.

Literature cited by the submitters: PubMed 16199547 (cited by Labcorp Genetics (formerly Invitae), Labcorp); PubMed 25205138 (cited by 4 submitters); PubMed 38544359 (cited by Natera, Inc.).